The following is an entry in ClinVar:

ClinVar aggregate classification (germline): Uncertain significance (1 of 4 stars; one submission).

Conditions:
Developmental and epileptic encephalopathy, 1 (DEE1). Also called: Epileptic encephalopathy, early infantile, 1; INFANTILE SPASM SYNDROME, X-LINKED 1; X-linked infantile spasms; West's syndrome; Tonic spasms with clustering, arrest of psychomotor development and hypsarrhythmia on EEG; X-Linked Infantile Spasm Syndrome. Identifiers: MedGen C3463992, MONDO:0010632, OMIM 308350. Disease mechanism: loss of function.
Intellectual disability, X-linked, with or without seizures, ARX-related. Also called: INTELLECTUAL DEVELOPMENTAL DISORDER, X-LINKED 29; Mental retardation, X-linked 52; MENTAL RETARDATION, X-LINKED 29; MENTAL RETARDATION, X-LINKED 32; MENTAL RETARDATION, X-LINKED 33; MENTAL RETARDATION, X-LINKED 38. Identifiers: Orphanet 777, MedGen C0796244, MONDO:0010317, OMIM 300419.

Submission:

Labcorp Genetics (formerly Invitae), Labcorp
Classification: Uncertain significance for Developmental and epileptic encephalopathy, 1; Intellectual disability, X-linked, with or without seizures, ARX-related. Last evaluated: 2024-10-16. Review status: criteria provided, single submitter. Criteria: Invitae Variant Classification Sherloc (09022015). Collection method: clinical testing. Allele origin: germline.
Comment: This sequence change falls in intron 4 of the ARX gene. It does not directly change the encoded amino acid sequence of the ARX protein. It affects a nucleotide within the consensus splice site. This variant is not present in population databases (gnomAD no frequency). This variant has not been reported in the literature in individuals affected with ARX-related conditions. ClinVar contains an entry for this variant (Variation ID: 1036959). Variants that disrupt the consensus splice site are a relatively common cause of aberrant splicing (PMID: 17576681, 9536098). Algorithms developed to predict the effect of sequence changes on RNA splicing suggest that this variant may disrupt the consensus splice site. In summary, the available evidence is currently insufficient to determine the role of this variant in disease. Therefore, it has been classified as a Variant of Uncertain Significance.

Literature cited by the submitters: PubMed 17576681; PubMed 9536098.

NM_139058.3(ARX):c.1449-3C>A

Gene: ARX (aristaless related homeobox; minus strand). Cytogenetic location: Xp21.3.
Variant type: single nucleotide variant.
Coding change: c.1449-3C>A on transcript NM_139058.3 (MANE Select); 3 bases into the intron before coding-DNA position 1449, C replaced by A.
Molecular consequence: intron variant.
Genome position (GRCh38, 1-based): chrX:25,004,913, G>T on the plus strand (C>A on the coding strand, the complement: ARX is on the minus strand). VCF-style: chrX-25004913-G-T. GRCh37 (hg19) VCF-style: chrX-25023030-G-T.
Identifiers: ClinVar variation 1036959 (VCV001036959.9), dbSNP rs1295206345, ClinGen allele CA2420205990.